The following is an entry in ClinVar:

ClinVar aggregate classification (germline): Likely benign (0 of 4 stars; one submission).

Conditions:
KCNE1B-related condition.

Submission:

PreventionGenetics, part of Exact Sciences
Classification: Likely benign for KCNE1B-related condition. Last evaluated: 2019-04-10. Review status: no assertion criteria provided. Collection method: clinical testing. Allele origin: germline.
Comment: This variant is classified as likely benign based on ACMG/AMP sequence variant interpretation guidelines (Richards et al. 2015 PMID: 25741868, with internal and published modifications).

NM_001330065.1(LOC102723475):c.147C>T (p.Tyr49=)

Gene: LOC102723475 (potassium voltage-gated channel subfamily E regulatory subunit 1B; minus strand). Cytogenetic location: 21p11.2.
Variant type: single nucleotide variant.
Coding change: c.147C>T on transcript NM_001330065.1; coding-DNA position 147, C replaced by T.
Protein change: p.Tyr49=; no amino-acid change (tyrosine 49 retained).
Molecular consequence: synonymous variant.
Genome position (GRCh38, 1-based): chr21:7,819,485, G>A on the plus strand (C>T on the coding strand, the complement: LOC102723475 is on the minus strand). VCF-style: chr21-7819485-G-A.
Other names: c.147C>T, p.Tyr49= (NM_001369869.1).
Identifiers: ClinVar variation 3356396 (VCV003356396.1).